The following is an entry in ClinVar:

ClinVar aggregate classification (germline): Conflicting classifications of pathogenicity. Review status: criteria provided, conflicting classifications (1 of 4 stars). 3 submissions from 3 submitters: Uncertain significance (2); Likely benign (1). Last evaluated 2026-01-05.

Conditions:
Cardiovascular phenotype. Identifiers: MedGen CN230736.

Allele frequency attached by ClinVar (database versions not stated): gnomAD exomes 0.00003 and 0.00008; ExAC 0.00005.

Submissions (3):

Labcorp Genetics (formerly Invitae), Labcorp
Classification: Uncertain significance. Last evaluated: 2026-01-05. Review status: criteria provided, single submitter. Criteria: Invitae Variant Classification Sherloc (09022015). Collection method: clinical testing. Allele origin: germline.
Comment: This sequence change replaces arginine, which is basic and polar, with histidine, which is basic and polar, at codon 172 of the BGN protein (p.Arg172His). This variant is present in population databases (rs782239175, gnomAD 0.05%), and has an allele count higher than expected for a pathogenic variant. This variant has not been reported in the literature in individuals affected with BGN-related conditions. ClinVar contains an entry for this variant (Variation ID: 1063919). Invitae Evidence Modeling of protein sequence and biophysical properties (such as structural, functional, and spatial information, amino acid conservation, physicochemical variation, residue mobility, and thermodynamic stability) indicates that this missense variant is not expected to disrupt BGN protein function with a negative predictive value of 80%. In summary, the available evidence is currently insufficient to determine the role of this variant in disease. Therefore, it has been classified as a Variant of Uncertain Significance.

Ambry Genetics
Classification: Uncertain significance for Cardiovascular phenotype. Last evaluated: 2024-06-25. Review status: criteria provided, single submitter. Criteria: Ambry Variant Classification Scheme 2023. Collection method: clinical testing. Allele origin: germline.

GeneDx
Classification: Likely benign. Last evaluated: 2019-08-07. Review status: criteria provided, single submitter. Criteria: GeneDx Variant Classification Process June 2021. Collection method: clinical testing. Allele origin: germline. Affected: yes.

NM_001711.6(BGN):c.515G>A (p.Arg172His)

Gene: BGN (biglycan; plus strand). Cytogenetic location: Xq28.
Variant type: single nucleotide variant.
Coding change: c.515G>A on transcript NM_001711.6 (MANE Select); coding-DNA position 515, G replaced by A.
Protein change: p.Arg172His; replaces arginine 172 with histidine.
Molecular consequence: missense variant.
Genome position (GRCh38, 1-based): chrX:153,506,026, G>A. VCF-style: chrX-153506026-G-A. GRCh37 (hg19) VCF-style: chrX-152771484-G-A.
Other names: short protein forms R172H.
Identifiers: ClinVar variation 1063919 (VCV001063919.14), dbSNP rs782239175, ClinGen allele CA10547256.
Genomic context (GRCh38, chrX:153,506,026, plus strand): 5'-AGATCCCGCCCAACCTACCCAGCTCCCTGGTGGAGCTCCGCATCCACGACAACCGCATCC[G>A]CAAGGTGCCCAAGGGAGTGTTCAGCGGGCTCCGGAACATGAACTGCATCGGTGAGCTGAG-3'
Protein context (NP_001702.1, residues 162-182): VELRIHDNRI[Arg172His]KVPKGVFSGL